The following is an entry in ClinVar:

NM_002528.7(NTHL1):c.491T>A (p.Leu164Gln)

Gene: NTHL1 (nth like DNA glycosylase 1; minus strand). Cytogenetic location: 16p13.3.
Variant type: single nucleotide variant.
Coding change: c.491T>A on transcript NM_002528.7 (MANE Select); coding-DNA position 491, T replaced by A.
Protein change: p.Leu164Gln; replaces leucine 164 with glutamine.
Molecular consequence: missense variant. On other transcripts: intron variant (1).
Genome position (GRCh38, 1-based): chr16:2,044,664, A>T on the plus strand (T>A on the coding strand, the complement: NTHL1 is on the minus strand). VCF-style: chr16-2044664-A-T. GRCh37 (hg19) VCF-style: chr16-2094665-A-T.
Other names: c.515T>A (NM_002528.6, NM_002528.5); c.161T>A, p.Leu54Gln (NM_001318194.2); c.355-938T>A (NM_001318193.2); short protein forms L164Q, L54Q.
Identifiers: ClinVar variation 1026909 (VCV001026909.10), dbSNP rs1162857718, ClinGen allele CA394294144.
Genomic context (GRCh38, chr16:2,044,664, plus strand): 5'-CCCCCGTTGCCACAGGCAGGGCTCACCCTCCAGAAACCGACGGGGTAGATGAGCTTGCCC[A>T]GCGTGGCATCATCTGTCTGCAGGATGCTGTCCACCGTCAGGCCCCGCGCCCGCAGTCGCT-3'
Protein context (NP_002519.2, residues 154-174): DSILQTDDAT[Leu164Gln]GKLIYPVGFW

ClinVar aggregate classification (germline): Uncertain significance. Review status: criteria provided, multiple submitters, no conflicts (2 of 4 stars). 3 submissions from 3 submitters: Uncertain significance (3). Last evaluated 2025-09-08.

Conditions:
Hereditary cancer-predisposing syndrome. Also called: Neoplastic Syndromes, Hereditary; Tumor predisposition; Hereditary Cancer Syndrome; Hereditary neoplastic syndrome. Identifiers: Orphanet 140162, MedGen C0027672, MeSH D009386, MONDO:0015356.

Submissions (3):

Labcorp Genetics (formerly Invitae), Labcorp
Classification: Uncertain significance. Last evaluated: 2025-09-08. Review status: criteria provided, single submitter. Criteria: Invitae Variant Classification Sherloc (09022015). Collection method: clinical testing. Allele origin: germline.
Comment: This sequence change replaces leucine, which is neutral and non-polar, with glutamine, which is neutral and polar, at codon 172 of the NTHL1 protein (p.Leu172Gln). This variant is not present in population databases (gnomAD no frequency). This variant has not been reported in the literature in individuals affected with NTHL1-related conditions. ClinVar contains an entry for this variant (Variation ID: 1026909). An algorithm developed to predict the effect of missense changes on protein structure and function (PolyPhen-2) suggests that this variant is likely to be disruptive. In summary, the available evidence is currently insufficient to determine the role of this variant in disease. Therefore, it has been classified as a Variant of Uncertain Significance.

Ambry Genetics
Classification: Uncertain significance for Hereditary cancer-predisposing syndrome. Last evaluated: 2024-03-17. Review status: criteria provided, single submitter. Criteria: Ambry Variant Classification Scheme 2023. Collection method: clinical testing. Allele origin: germline.
Comment: The p.L172Q variant (also known as c.515T>A), located in coding exon 3 of the NTHL1 gene, results from a T to A substitution at nucleotide position 515. The leucine at codon 172 is replaced by glutamine, an amino acid with dissimilar properties. This amino acid position is conserved. In addition, this alteration is predicted to be deleterious by in silico analysis. Based on the available evidence, the clinical significance of this alteration remains unclear.

Quest Diagnostics Nichols Institute San Juan Capistrano
Classification: Uncertain significance. Last evaluated: 2023-01-16. Review status: criteria provided, single submitter. Criteria: Quest Diagnostics criteria. Collection method: clinical testing. Allele origin: unknown.
Comment: The variant has not been reported in the published literature. It also has not been reported in large, multi-ethnic general populations. Analysis of this variant using bioinformatics tools for the prediction of the effect of amino acid changes on protein structure and function yielded predictions that this variant is damaging. Based on the available information, we are unable to determine the clinical significance of this variant.